The following is an entry in ClinVar:

ClinVar aggregate classification (germline): Uncertain significance. Review status: criteria provided, single submitter (1 of 4 stars). 2 submissions from 2 submitters: Uncertain significance (1). 1 of the submissions does not count toward it. Last evaluated 2024-05-15.

Conditions:
Angelman syndrome-like. Identifiers: MedGen CN128785.
Developmental and epileptic encephalopathy, 2 (DEE2). Also called: INFANTILE SPASM SYNDROME, X-LINKED 2; CDKL5 deficiency disorder. Identifiers: Orphanet 1934, Orphanet 3451, Orphanet 505652, MedGen C4750718, MONDO:0010396, OMIM 300672.

Submissions (2):

Labcorp Genetics (formerly Invitae), Labcorp
Classification: Uncertain significance for Developmental and epileptic encephalopathy, 2; Angelman syndrome-like. Last evaluated: 2024-05-15. Review status: criteria provided, single submitter. Criteria: Invitae Variant Classification Sherloc (09022015). Collection method: clinical testing. Allele origin: germline.
Comment: This sequence change replaces asparagine, which is neutral and polar, with threonine, which is neutral and polar, at codon 795 of the CDKL5 protein (p.Asn795Thr). This variant is not present in population databases (gnomAD no frequency). This variant has not been reported in the literature in individuals affected with CDKL5-related conditions. ClinVar contains an entry for this variant (Variation ID: 217361). Advanced modeling of protein sequence and biophysical properties (such as structural, functional, and spatial information, amino acid conservation, physicochemical variation, residue mobility, and thermodynamic stability) performed at Invitae indicates that this missense variant is not expected to disrupt CDKL5 protein function with a negative predictive value of 95%. In summary, the available evidence is currently insufficient to determine the role of this variant in disease. Therefore, it has been classified as a Variant of Uncertain Significance.

Genomic Diagnostic Laboratory, Division of Genomic Diagnostics, Children's Hospital of Philadelphia
Classification: Uncertain significance. Last evaluated: 2015-02-13. Review status: no assertion criteria provided. Collection method: clinical testing. Allele origin: germline. Not counted in ClinVar's aggregate classification.

NM_001323289.2(CDKL5):c.2384A>C (p.Asn795Thr)

Gene: CDKL5 (cyclin dependent kinase like 5; plus strand). Cytogenetic location: Xp22.13.
Variant type: single nucleotide variant.
Coding change: c.2384A>C on transcript NM_001323289.2 (MANE Select); coding-DNA position 2384, A replaced by C.
Protein change: p.Asn795Thr; replaces asparagine 795 with threonine.
Molecular consequence: missense variant.
Genome position (GRCh38, 1-based): chrX:18,625,135, A>C. VCF-style: chrX-18625135-A-C. GRCh37 (hg19) VCF-style: chrX-18643255-A-C.
Other names: c.2384A>C, p.Asn795Thr (NM_001037343.2, NM_003159.3); short protein forms N795T.
Identifiers: ClinVar variation 217361 (VCV000217361.4), dbSNP rs863225067, ClinGen allele CA279169.